The following is an entry in ClinVar:

NM_001370259.2(MEN1):c.963C>T (p.Tyr321=)

Gene: MEN1 (menin 1; minus strand). Cytogenetic location: 11q13.1.
Variant type: single nucleotide variant.
Coding change: c.963C>T on transcript NM_001370259.2 (MANE Select); coding-DNA position 963, C replaced by T.
Protein change: p.Tyr321=; no amino-acid change (tyrosine 321 retained).
Molecular consequence: synonymous variant.
Genome position (GRCh38, 1-based): chr11:64,806,318, G>A on the plus strand (C>T on the coding strand, the complement: MEN1 is on the minus strand). VCF-style: chr11-64806318-G-A. GRCh37 (hg19) VCF-style: chr11-64573790-G-A.
Other names: c.858C>T, p.Tyr286= (NM_001370262.2, NM_001370263.2); c.963C>T, p.Tyr321= (NM_130799.3, NM_001370251.2, NM_001370260.2 and 1 more transcripts); c.978C>T, p.Tyr326= (NM_130800.3, NM_130801.3, NM_130802.3 and 3 more transcripts).
Identifiers: ClinVar variation 527319 (VCV000527319.18), dbSNP rs1555165094, ClinGen allele CA474983347.

ClinVar aggregate classification (germline): Conflicting classifications of pathogenicity. Review status: criteria provided, conflicting classifications (1 of 4 stars). 5 submissions from 5 submitters: Uncertain significance (1); Benign (1); Likely benign (3). Last evaluated 2026-01-28.

Conditions:
Multiple endocrine neoplasia, type 1 (MEN1). Also called: MEN I; WERMER SYNDROME; Endocrine adenomatosis multiple; MEN 1; MEA I. Identifiers: Orphanet 652, MedGen C0025267, MeSH D018761, MONDO:0007540, OMIM 131100.
Hereditary cancer-predisposing syndrome. Also called: Neoplastic Syndromes, Hereditary; Tumor predisposition; Hereditary neoplastic syndrome; Hereditary Cancer Syndrome. Identifiers: Orphanet 140162, MedGen C0027672, MeSH D009386, MONDO:0015356.

Allele frequency attached by ClinVar (database versions not stated): gnomAD exomes below 0.00001.
gnomAD v4.1: 1 of 1,614,212 alleles (0.000062%); highest among the groups gnomAD compares: Non-Finnish European, 0.000085%; no homozygotes.

Submissions (5):

Labcorp Genetics (formerly Invitae), Labcorp
Classification: Likely benign for Multiple endocrine neoplasia, type 1. Last evaluated: 2026-01-28. Review status: criteria provided, single submitter. Criteria: Invitae Variant Classification Sherloc (09022015). Collection method: clinical testing. Allele origin: germline.

Color Diagnostics, LLC DBA Color Health
Classification: Likely benign for Multiple endocrine neoplasia, type 1. Last evaluated: 2025-06-23. Review status: criteria provided, single submitter. Criteria: ACMG Guidelines, 2015. Collection method: clinical testing. Allele origin: germline.

Myriad Genetics, Inc.
Classification: Benign for Multiple endocrine neoplasia, type 1. Last evaluated: 2024-11-04. Review status: criteria provided, single submitter. Criteria: Myriad Autosomal Dominant, Autosomal Recessive and X-Linked Classification Criteria (2023). Collection method: clinical testing. Allele origin: unknown.
Comment: This variant is considered benign. This variant is a silent/synonymous amino acid change and it is not expected to impact splicing.

Quest Diagnostics Nichols Institute San Juan Capistrano
Classification: Uncertain significance. Last evaluated: 2024-02-12. Review status: criteria provided, single submitter. Criteria: Quest Diagnostics criteria. Collection method: clinical testing. Allele origin: unknown.

Ambry Genetics
Classification: Likely benign for Hereditary cancer-predisposing syndrome. Last evaluated: 2018-10-05. Review status: criteria provided, single submitter. Criteria: Ambry Variant Classification Scheme 2023. Collection method: clinical testing. Allele origin: germline.